The following is an entry in ClinVar:

NM_006721.4(ADK):c.1031C>T (p.Ala344Val)

Gene: ADK (adenosine kinase; plus strand). Cytogenetic location: 10q22.2.
Variant type: single nucleotide variant.
Coding change: c.1031C>T on transcript NM_006721.4 (MANE Select); coding-DNA position 1031, C replaced by T.
Protein change: p.Ala344Val; replaces alanine 344 with valine.
Molecular consequence: missense variant. On other transcripts: 3 prime UTR variant (1).
Genome position (GRCh38, 1-based): chr10:74,708,387, C>T. VCF-style: chr10-74708387-C-T. GRCh37 (hg19) VCF-style: chr10-76468145-C-T.
Other names: c.980C>T, p.Ala327Val (NM_001123.4); c.926C>T, p.Ala309Val (NM_001202449.2); c.860C>T, p.Ala287Val (NM_001202450.2); c.*31C>T (NM_001369123.1); c.809C>T, p.Ala270Val (NM_001369124.1); short protein forms A327V, A270V, A287V, A309V, A344V.
Identifiers: ClinVar variation 802589 (VCV000802589.2), dbSNP rs1589387419, ClinGen allele CA377398448.
Genomic context (GRCh38, chr10:74,708,387, plus strand): 5'-TGTCTCAACTGGTCTCTGACAAGCCTCTGACTGAATGTATCCGTGCTGGCCACTATGCAG[C>T]AAGCATCATAATTAGACGGACTGGCTGCACCTTTCCTGAGAAGCCAGACTTCCACTGATG-3'
Protein context (NP_006712.2, residues 334-354): TECIRAGHYA[Ala344Val]SIIIRRTGCT

ClinVar aggregate classification (germline): Pathogenic/Likely pathogenic. Review status: criteria provided, multiple submitters, no conflicts (2 of 4 stars). 2 submissions from 2 submitters: Pathogenic (1); Likely pathogenic (1). Last evaluated 2025-12-18.

Conditions:
Adenosine kinase deficiency. Also called: MENTAL RETARDATION, AUTOSOMAL RECESSIVE 8; Hypermethioninemia due to adenosine kinase deficiency. Identifiers: Orphanet 289290, Orphanet 88616, MedGen C4706555, MONDO:0100255, OMIM 614300.

Submissions (2):

Laboratory of Human Genetics, Universidade de São Paulo
Classification: Pathogenic for Adenosine kinase deficiency. Last evaluated: 2025-12-18. Review status: criteria provided, single submitter. Criteria: ACMG Guidelines, 2015. Collection method: research. Allele origin: biparental. Affected: yes.
Comment: Homozygous variant classified as pathogenic according to ACMG/AMP guidelines (PP3, PM2, PP5).

Mendelics
Classification: Likely pathogenic for Adenosine kinase deficiency. Last evaluated: 2019-05-28. Review status: criteria provided, single submitter. Criteria: Mendelics Assertion Criteria 2017. Collection method: clinical testing. Allele origin: unknown.